The following is an entry in ClinVar:

ClinVar aggregate classification (germline): Likely benign. Review status: criteria provided, multiple submitters, no conflicts (2 of 4 stars). 2 submissions from 2 submitters: Likely benign (2). Last evaluated 2025-07-18.

Conditions:
ATP2B2-related disorder. Also called: ATP2B2-related condition.

Allele frequency attached by ClinVar (database versions not stated): gnomAD exomes 0.00001 and 0.00002; ExAC 0.00002; gnomAD 0.00005 and 0.00007; TOPMed 0.00005; ESP Exome Variant Server 0.00008.
gnomAD v4.1: 33 of 1,606,724 alleles (0.0021%); highest among the groups gnomAD compares: South Asian, 0.019%; no homozygotes.

Submissions (2):

PreventionGenetics, part of Exact Sciences
Classification: Likely benign for ATP2B2-related condition. Last evaluated: 2025-07-18. Review status: criteria provided, single submitter. Criteria: ACMG Guidelines, 2015. Collection method: clinical testing. Allele origin: germline.
Comment: This variant is classified as likely benign based on ACMG/AMP sequence variant interpretation guidelines (Richards et al. 2015 PMID: 25741868, with internal and published modifications).

Labcorp Genetics (formerly Invitae), Labcorp
Classification: Likely benign. Last evaluated: 2024-02-17. Review status: criteria provided, single submitter. Criteria: Invitae Variant Classification Sherloc (09022015). Collection method: clinical testing. Allele origin: germline.

NM_001001331.4(ATP2B2):c.1104C>T (p.Gly368=)

Gene: ATP2B2 (ATPase plasma membrane Ca2+ transporting 2; minus strand). Cytogenetic location: 3p25.3.
Variant type: single nucleotide variant.
Coding change: c.1104C>T on transcript NM_001001331.4 (MANE Select); coding-DNA position 1104, C replaced by T.
Protein change: p.Gly368=; no amino-acid change (glycine 368 retained).
Molecular consequence: synonymous variant.
Genome position (GRCh38, 1-based): chr3:10,378,349, G>A on the plus strand (C>T on the coding strand, the complement: ATP2B2 is on the minus strand). VCF-style: chr3-10378349-G-A. GRCh37 (hg19) VCF-style: chr3-10420033-G-A.
Other names: c.969C>T, p.Gly323= (NM_001330611.3, NM_001353564.1, NM_001363862.1 and 1 more transcripts); c.969C>T (NM_001683.3).
Identifiers: ClinVar variation 1496028 (VCV001496028.7), dbSNP rs147871544, ClinGen allele CA2253753.